The following is an entry in ClinVar:

NM_058004.4(PI4KA):c.1956del (p.Asp653fs)

Gene: PI4KA (phosphatidylinositol 4-kinase alpha; minus strand). Cytogenetic location: 22q11.21.
Variant type: Deletion.
Coding change: c.1956del on transcript NM_058004.4 (MANE Select); coding-DNA position 1956, one base deleted (C; older notation c.1956delC).
Protein change: p.Asp653fs; shifts the reading frame from aspartic acid 653.
Molecular consequence: frameshift variant.
Genome position (GRCh38, 1-based): chr22:20,799,141, G deleted on the plus strand (C on the coding strand, the reverse complement: PI4KA is on the minus strand). VCF-style (leftmost placement, unchanged base first): chr22-20799140-CG-C. GRCh37 (hg19) VCF-style: chr22-21153428-CG-C.
Other names: c.1956del, p.Asp653fs (NM_001362862.2); c.1890del, p.Asp631fs (NM_001362863.2); short protein forms D631fs, D653fs.
Identifiers: ClinVar variation 4852229 (VCV004852229.1).

ClinVar aggregate classification (germline): Likely pathogenic (1 of 4 stars; one submission).

Conditions:
Polymicrogyria, perisylvian, with cerebellar hypoplasia and arthrogryposis (NEDSPLB). Identifiers: MedGen C4225295, MONDO:0014679, OMIM 616531.

Submission:

Variantyx, Inc.
Classification: Likely pathogenic for Polymicrogyria, perisylvian, with cerebellar hypoplasia and arthrogryposis. Last evaluated: 2025-08-23. Review status: criteria provided, single submitter. Criteria: Variantyx Assertion Criteria 2022. Collection method: clinical testing. Allele origin: germline. Inheritance: Autosomal recessive inheritance. Affected: no.
Comment: This is a frameshift variant in the PI4KA gene (OMIM: 600286). Pathogenic variants in this gene have been associated with autosomal recessive polymicrogyria, perisylvian, with cerebellar hypoplasia and arthrogryposis. This variant introduces a premature termination codon in exon 16 out of 55 and is expected to result in loss of function, which is a known disease mechanism for PI4KA in this disorder (PMID: 25855803) (PVS1). This variant is absent from control populations (PM2) and it has not been reported in individuals with PI4KA-related disorders in the databases available for review. Based on the current evidence, this variant is classified as likely pathogenic for autosomal recessive polymicrogyria, perisylvian, with cerebellar hypoplasia and arthrogryposis.

Literature cited by the submitters: PubMed 25855803.